The following is an entry in ClinVar:

NM_183387.3(EML5):c.4812C>T (p.Ile1604=)

Genes: EML5 (EMAP like 5; minus strand), ZC3H14 (zinc finger CCCH-type containing 14; plus strand). Cytogenetic location: 14q31.3.
Variant type: single nucleotide variant.
Coding change: c.4812C>T on transcript NM_183387.3 (MANE Select); coding-DNA position 4812, C replaced by T.
Protein change: p.Ile1604=; no amino-acid change (isoleucine 1604 retained).
Molecular consequence: synonymous variant. On other transcripts: 3 prime UTR variant (28), non-coding transcript variant (1).
Genome position (GRCh38, 1-based): chr14:88,625,056, G>A on the plus strand (C>T on the coding strand, the complement: EML5 is on the minus strand). VCF-style: chr14-88625056-G-A. GRCh37 (hg19) VCF-style: chr14-89091400-G-A.
Other names: c.*13305G>A (NM_207662.4, NM_001160103.2, NM_001160104.2 and 25 more transcripts); c.4803C>T, p.Ile1601= (NM_001385116.1); c.4788C>T, p.Ile1596= (NM_001411033.1).
Identifiers: ClinVar variation 2644442 (VCV002644442.24), dbSNP rs142374840, ClinGen allele CA7301151.

ClinVar aggregate classification (germline): Likely benign (1 of 4 stars; one submission).

Allele frequency attached by ClinVar (database versions not stated): ExAC 0.00012; 1000 Genomes Project 30x 0.00016; ESP Exome Variant Server 0.00016; 1000 Genomes Project 0.00020.
gnomAD v4.1: 193 of 1,612,436 alleles (0.012%); highest among the groups gnomAD compares: African/African-American, 0.18%; no homozygotes.

Submission:

CeGaT Center for Human Genetics Tuebingen
Classification: Likely benign. Last evaluated: 2023-02-01. Review status: criteria provided, single submitter. Criteria: CeGaT Center For Human Genetics Tuebingen Variant Classification Criteria Version 2. Collection method: clinical testing. Allele origin: germline. Affected: yes. Observed: 1 variant allele.
Comment: EML5: BP4, BP7